The following is an entry in ClinVar:

NM_144593.3(RHEBL1):c.369C>T (p.Leu123=)

Gene: RHEBL1 (RHEB like 1; minus strand). Cytogenetic location: 12q13.12.
Variant type: single nucleotide variant.
Coding change: c.369C>T on transcript NM_144593.3 (MANE Select); coding-DNA position 369, C replaced by T.
Protein change: p.Leu123=; no amino-acid change (leucine 123 retained).
Molecular consequence: synonymous variant. On other transcripts: non-coding transcript variant (1).
Genome position (GRCh38, 1-based): chr12:49,066,242, G>A on the plus strand (C>T on the coding strand, the complement: RHEBL1 is on the minus strand). VCF-style: chr12-49066242-G-A. GRCh37 (hg19) VCF-style: chr12-49460025-G-A.
Other names: c.363C>T, p.Leu121= (NM_001303126.2).
Identifiers: ClinVar variation 4822791 (VCV004822791.4).

ClinVar aggregate classification (germline): Likely benign (1 of 4 stars; one submission).

gnomAD v4.1: 4 of 1,613,790 alleles (0.00025%); highest among the groups gnomAD compares: East Asian, 0.0022%; no homozygotes.

Submission:

CeGaT Center for Human Genetics Tuebingen
Classification: Likely benign. Last evaluated: 2025-12-01. Review status: criteria provided, single submitter. Criteria: CeGaT Center For Human Genetics Tuebingen Variant Classification Criteria Version 2. Collection method: clinical testing. Allele origin: germline. Affected: yes. Observed: 1 variant allele.
Comment: RHEBL1: BP4, BP7